The following is an entry in ClinVar:

NM_016642.4(SPTBN5):c.10979C>T (p.Thr3660Met)

Gene: SPTBN5 (spectrin beta, non-erythrocytic 5; minus strand). Cytogenetic location: 15q15.1.
Variant type: single nucleotide variant.
Coding change: c.10979C>T on transcript NM_016642.4 (MANE Select); coding-DNA position 10979, C replaced by T.
Protein change: p.Thr3660Met; replaces threonine 3660 with methionine.
Molecular consequence: missense variant.
Genome position (GRCh38, 1-based): chr15:41,849,902, G>A on the plus strand (C>T on the coding strand, the complement: SPTBN5 is on the minus strand). VCF-style: chr15-41849902-G-A. GRCh37 (hg19) VCF-style: chr15-42142100-G-A.
Other names: c.10874C>T (NM_016642.2); short protein forms T3660M.
Identifiers: ClinVar variation 2645200 (VCV002645200.25), dbSNP rs55807335, ClinGen allele CA7500633.

ClinVar aggregate classification (germline): Conflicting classifications of pathogenicity. Review status: criteria provided, conflicting classifications (1 of 4 stars). 2 submissions from 2 submitters: Uncertain significance (1); Benign (1). Last evaluated 2024-10-04.

Allele frequency attached by ClinVar (database versions not stated): gnomAD exomes 0.00096; ExAC 0.00145; ESP Exome Variant Server 0.00058; 1000 Genomes Project 30x 0.00078; 1000 Genomes Project 0.00080.
gnomAD v4.1: 1,500 of 1,593,308 alleles (0.094%); highest among the groups gnomAD compares: Non-Finnish European, 0.12%; no homozygotes.

Submissions (2):

Ambry Genetics
Classification: Uncertain significance. Last evaluated: 2024-10-04. Review status: criteria provided, single submitter. Criteria: Ambry Variant Classification Scheme 2023. Collection method: clinical testing. Allele origin: germline.

CeGaT Center for Human Genetics Tuebingen
Classification: Benign. Last evaluated: 2023-11-01. Review status: criteria provided, single submitter. Criteria: CeGaT Center For Human Genetics Tuebingen Variant Classification Criteria Version 2. Collection method: clinical testing. Allele origin: germline. Affected: yes. Observed: 2 variant alleles.
Comment: SPTBN5: BP4, BS1, BS2